The following is an entry in ClinVar:

ClinVar aggregate classification (germline): Likely benign (0 of 4 stars; one submission).

Conditions:
B3GNT2-related disorder. Also called: B3GNT2-related condition.

Allele frequency attached by ClinVar (database versions not stated): gnomAD exomes 0.00013; ExAC 0.00064; gnomAD 0.00178; TOPMed 0.00199; 1000 Genomes Project 0.00240; ESP Exome Variant Server 0.00246; 1000 Genomes Project 30x 0.00281.
gnomAD v4.1: 478 of 1,613,890 alleles (0.03%); highest among the groups gnomAD compares: African/African-American, 0.52%; 3 homozygotes.

Submission:

PreventionGenetics, part of Exact Sciences
Classification: Likely benign for B3GNT2-related condition. Last evaluated: 2021-07-22. Review status: no assertion criteria provided. Collection method: clinical testing. Allele origin: germline.
Comment: This variant is classified as likely benign based on ACMG/AMP sequence variant interpretation guidelines (Richards et al. 2015 PMID: 25741868, with internal and published modifications).

NM_006577.6(B3GNT2):c.73A>G (p.Met25Val)

Gene: B3GNT2 (UDP-GlcNAc:betaGal beta-1,3-N-acetylglucosaminyltransferase 2; plus strand). Cytogenetic location: 2p15.
Variant type: single nucleotide variant.
Coding change: c.73A>G on transcript NM_006577.6 (MANE Select); coding-DNA position 73, A replaced by G.
Protein change: p.Met25Val; replaces methionine 25 with valine.
Molecular consequence: missense variant.
Genome position (GRCh38, 1-based): chr2:62,222,293, A>G. VCF-style: chr2-62222293-A-G. GRCh37 (hg19) VCF-style: chr2-62449428-A-G.
Other names: c.73A>G, p.Met25Val (NM_001319075.2); short protein forms M25V.
Identifiers: ClinVar variation 3057724 (VCV003057724.2), dbSNP rs144486810, ClinGen allele CA1680329.